The following is an entry in ClinVar:

ClinVar aggregate classification (germline): Pathogenic (1 of 4 stars; one submission).

Submission:

ARUP Laboratories, Molecular Genetics and Genomics, ARUP Laboratories
Classification: Pathogenic. Last evaluated: 2024-06-24. Review status: criteria provided, single submitter. Criteria: ARUP Molecular Germline Variant Investigation Process 2024. Collection method: clinical testing. Allele origin: germline.
Comment: The F8 c.1332delA; p.Val445SerfsTer37 variant (rs1375296497), also known as Val426fs in traditional nomenclature, is reported in the literature in multiple individuals affected with hemophilia A (Freson 1998, Wang 2010, Factor VIII database and references therein). Clotting activity assays performed on patient samples with this variant suggest <1% normal F8 activity (Freson 1998, Wang 2010, Factor VIII database and references therein). This variant is absent from general population databases (Exome Variant Server, Genome Aggregation Database), indicating it is not a common polymorphism. This variant causes a frameshift by deleting a single nucleotide, so it is predicted to result in a truncated protein or mRNA subject to nonsense-mediated decay. Based on available information, this variant is considered to be pathogenic. References: Factor VIII database: Freson K et al. Fluorescent chemical cleavage of mismatches for efficient screening of the factor VIII gene. Hum Mutat. 1998;11(6):470-9. PMID: 9603440. Wang XF et al. The prevalence of factor VIII inhibitors and genetic aspects of inhibitor development in Chinese patients with haemophilia A. Haemophilia. 2010 Jul 1;16(4):632-9. PMID: 20331753.

NM_000132.4(F8):c.1332del (p.Val445fs)

Gene: F8 (coagulation factor VIII; minus strand). Cytogenetic location: Xq28.
Variant type: Deletion.
Coding change: c.1332del on transcript NM_000132.4 (MANE Select); coding-DNA position 1332, one base deleted (A; older notation c.1332delA).
Protein change: p.Val445fs; shifts the reading frame from valine 445.
Molecular consequence: frameshift variant.
Genome position (GRCh38, 1-based): chrX:154,966,081, T deleted on the plus strand (A on the coding strand, the reverse complement: F8 is on the minus strand); the first of 6 consecutive T bases (chrX:154,966,081-154,966,086); deleting any one gives the same sequence. VCF-style (leftmost placement, unchanged base first): chrX-154966080-CT-C. GRCh37 (hg19) VCF-style: chrX-154194355-CT-C.
Other names: short protein forms V445fs.
Identifiers: ClinVar variation 1330441 (VCV001330441.8), dbSNP rs1375296497, ClinGen allele CA873344287.